The following is an entry in ClinVar:

NM_207352.4(CYP4V2):c.605-2A>G

Gene: CYP4V2 (cytochrome P450 family 4 subfamily V member 2; plus strand). Cytogenetic location: 4q35.1.
Variant type: single nucleotide variant.
Coding change: c.605-2A>G on transcript NM_207352.4 (MANE Select); the canonical splice acceptor site of the intron before coding-DNA position 605, A replaced by G.
Molecular consequence: splice acceptor variant.
Genome position (GRCh38, 1-based): chr4:186,197,531, A>G. VCF-style: chr4-186197531-A-G. GRCh37 (hg19) VCF-style: chr4-187118685-A-G.
Identifiers: ClinVar variation 1504632 (VCV001504632.9), dbSNP rs2126585681, ClinGen allele CA358947684.

ClinVar aggregate classification (germline): Conflicting classifications of pathogenicity. Review status: criteria provided, conflicting classifications (1 of 4 stars). 2 submissions from 2 submitters: Likely pathogenic (1); Uncertain significance (1). Last evaluated 2024-02-23.

Allele frequency attached by ClinVar (database versions not stated): gnomAD exomes below 0.00001.

Submissions (2):

Labcorp Genetics (formerly Invitae), Labcorp
Classification: Likely pathogenic. Last evaluated: 2024-02-23. Review status: criteria provided, single submitter. Criteria: Invitae Variant Classification Sherloc (09022015). Collection method: clinical testing. Allele origin: germline.
Comment: This sequence change affects an acceptor splice site in intron 4 of the CYP4V2 gene. It is expected to disrupt RNA splicing. Variants that disrupt the donor or acceptor splice site typically lead to a loss of protein function (PMID: 16199547), and loss-of-function variants in CYP4V2 are known to be pathogenic (PMID: 15042513, 25118264). This variant is not present in population databases (gnomAD no frequency). This variant has not been reported in the literature in individuals affected with CYP4V2-related conditions. ClinVar contains an entry for this variant (Variation ID: 1504632). Algorithms developed to predict the effect of sequence changes on RNA splicing suggest that this variant may disrupt the consensus splice site. In summary, the currently available evidence indicates that the variant is pathogenic, but additional data are needed to prove that conclusively. Therefore, this variant has been classified as Likely Pathogenic.

Blueprint Genetics
Classification: Uncertain significance. Last evaluated: 2021-10-08. Review status: criteria provided, single submitter. Criteria: ACMG Guidelines, 2015. Collection method: clinical testing. Allele origin: germline.

Literature cited by the submitters: PubMed 16199547 (cited by Labcorp Genetics (formerly Invitae), Labcorp); PubMed 15042513 (cited by Labcorp Genetics (formerly Invitae), Labcorp); PubMed 25118264 (cited by Labcorp Genetics (formerly Invitae), Labcorp).